The following is an entry in ClinVar:

NM_001003694.2(BRPF1):c.139C>G (p.His47Asp)

Gene: BRPF1 (bromodomain and PHD finger containing 1; plus strand). Cytogenetic location: 3p25.3.
Variant type: single nucleotide variant.
Coding change: c.139C>G on transcript NM_001003694.2 (MANE Select); coding-DNA position 139, C replaced by G.
Protein change: p.His47Asp; replaces histidine 47 with aspartic acid.
Molecular consequence: missense variant. On other transcripts: non-coding transcript variant (1).
Genome position (GRCh38, 1-based): chr3:9,734,279, C>G. VCF-style: chr3-9734279-C-G. GRCh37 (hg19) VCF-style: chr3-9775963-C-G.
Other names: c.139C>G, p.His47Asp (NM_001319049.2, NM_001319050.2, NM_001410704.1 and 7 more transcripts); short protein forms H47D.
Identifiers: ClinVar variation 4882078 (VCV004882078.2).

ClinVar aggregate classification (germline): Uncertain significance (1 of 4 stars; one submission).

Submission:

Dasa
Classification: Uncertain significance. Last evaluated: 2024-11-05. Review status: criteria provided, single submitter. Criteria: DASA Assertion Criteria. Collection method: clinical testing. Allele origin: germline.
Comment: NM_001003694.2(BRPF1):c.139C>G (p.His47Asp) is a missense variant that results in the substitution of histidine with aspartic acid. This variant is absent from population databases. Computational prediction algorithms are consistent with a benign effect. The currently available literature and clinical evidence are not sufficient to establish a definitive association between this variant and the reported condition. Therefore, this variant is classified as a variant of uncertain significance.